The following is an entry in ClinVar:

NM_000535.7(PMS2):c.804-49A>G

Gene: PMS2 (PMS1 homolog 2, mismatch repair system component; minus strand). Cytogenetic location: 7p22.1.
Variant type: single nucleotide variant.
Coding change: c.804-49A>G on transcript NM_000535.7 (MANE Select); 49 bases into the intron before coding-DNA position 804, A replaced by G.
Molecular consequence: intron variant.
Genome position (GRCh38, 1-based): chr7:5,995,682, T>C on the plus strand (A>G on the coding strand, the complement: PMS2 is on the minus strand). VCF-style: chr7-5995682-T-C. GRCh37 (hg19) VCF-style: chr7-6035313-T-C.
Other names: c.486-49A>G (NM_001322008.2, NM_001406902.1, NM_001406883.1 and 4 more transcripts); c.495-49A>G (NM_001406881.1, NM_001406879.1, NM_001322015.2 and 6 more transcripts); c.399-49A>G (NM_001406895.1, NM_001322010.2, NM_001322004.2 and 19 more transcripts); c.133-3625A>G (NM_001406911.1); c.291-49A>G (NM_001406904.1, NM_001406905.1); c.231-49A>G (NM_001322013.2, NM_001406909.1); c.-130-49A>G (NM_001322012.2, NM_001322011.2); c.468-49A>G (NM_001406885.1); and 8 more.
Identifiers: ClinVar variation 3765432 (VCV003765432.2).

ClinVar aggregate classification (germline): Benign/Likely benign. Review status: criteria provided, multiple submitters, no conflicts (2 of 4 stars). 2 submissions from 2 submitters: Benign (1); Likely benign (1). Last evaluated 2025-03-04.

Conditions:
Lynch syndrome 4 (LYNCH4). Also called: Hereditary non-polyposis colorectal cancer, type 4; Colorectal cancer, hereditary nonpolyposis, type 4. Identifiers: Orphanet 144, MedGen C1838333, MONDO:0013699, OMIM 614337. Disease mechanism: loss of function.

gnomAD v4.1: 41 of 1,227,084 alleles (0.0033%); highest among the groups gnomAD compares: Admixed American, 0.013%; no homozygotes.

Submissions (2):

Center for Genomic Medicine, Rigshospitalet, Copenhagen University Hospital
Classification: Likely benign. Last evaluated: 2025-03-04. Review status: criteria provided, single submitter. Criteria: ACMG Guidelines, 2015. Collection method: clinical testing. Allele origin: germline.

Myriad Genetics, Inc.
Classification: Benign for Lynch syndrome 4. Last evaluated: 2025-01-28. Review status: criteria provided, single submitter. Criteria: Myriad Autosomal Dominant, Autosomal Recessive and X-Linked Classification Criteria (2023). Collection method: clinical testing. Allele origin: unknown.
Comment: This variant is considered benign. This variant is intronic and is not expected to impact mRNA splicing.